The following is an entry in ClinVar:

ClinVar aggregate classification (germline): Likely benign. Review status: criteria provided, multiple submitters, no conflicts (2 of 4 stars). 3 submissions from 3 submitters: Likely benign (3). Last evaluated 2026-03-01.

Allele frequency attached by ClinVar (database versions not stated): gnomAD exomes 0.00002 and 0.00009; TOPMed 0.00005; ExAC 0.00009.
gnomAD v4.1: 30 of 1,613,074 alleles (0.0019%); highest among the groups gnomAD compares: Admixed American, 0.042%; no homozygotes.

Submissions (3):

CeGaT Center for Human Genetics Tuebingen
Classification: Likely benign. Last evaluated: 2026-03-01. Review status: criteria provided, single submitter. Criteria: CeGaT Center For Human Genetics Tuebingen Variant Classification Criteria Version 2. Collection method: clinical testing. Allele origin: germline. Affected: yes. Observed: 1 variant allele.
Comment: COL11A2: BP4, BP7

Labcorp Genetics (formerly Invitae), Labcorp
Classification: Likely benign. Last evaluated: 2025-10-01. Review status: criteria provided, single submitter. Criteria: Invitae Variant Classification Sherloc (09022015). Collection method: clinical testing. Allele origin: germline.

GeneDx
Classification: Likely benign. Last evaluated: 2021-01-28. Review status: criteria provided, single submitter. Criteria: GeneDx Variant Classification Process June 2021. Collection method: clinical testing. Allele origin: germline. Affected: yes.

NM_080680.3(COL11A2):c.483C>T (p.Val161=)

Gene: COL11A2 (collagen type XI alpha 2 chain; minus strand). Cytogenetic location: 6p21.32.
Variant type: single nucleotide variant.
Coding change: c.483C>T on transcript NM_080680.3 (MANE Select); coding-DNA position 483, C replaced by T.
Protein change: p.Val161=; no amino-acid change (valine 161 retained).
Molecular consequence: synonymous variant.
Genome position (GRCh38, 1-based): chr6:33,188,485, G>A on the plus strand (C>T on the coding strand, the complement: COL11A2 is on the minus strand). VCF-style: chr6-33188485-G-A. GRCh37 (hg19) VCF-style: chr6-33156262-G-A.
Other names: c.483C>T, p.Val161= (NM_001163771.2, NM_080679.3, NM_080681.3).
Identifiers: ClinVar variation 1218590 (VCV001218590.15), dbSNP rs754610645, ClinGen allele CA3751651.